The following is an entry in ClinVar:

ClinVar aggregate classification (germline): Likely benign (1 of 4 stars; one submission).

Submission:

GeneDx
Classification: Likely benign. Last evaluated: 2017-05-10. Review status: criteria provided, single submitter. Criteria: GeneDx Variant Classification (06012015). Collection method: clinical testing. Allele origin: germline. Affected: yes.
Comment: This variant is considered likely benign or benign based on one or more of the following criteria: it is a conservative change, it occurs at a poorly conserved position in the protein, it is predicted to be benign by multiple in silico algorithms, and/or has population frequency not consistent with disease.

NM_032119.4(ADGRV1):c.15750G>T (p.Gly5250=)

Gene: ADGRV1 (adhesion G protein-coupled receptor V1; plus strand). Cytogenetic location: 5q14.3.
Variant type: single nucleotide variant.
Coding change: c.15750G>T on transcript NM_032119.4 (MANE Select); coding-DNA position 15750, G replaced by T.
Protein change: p.Gly5250=; no amino-acid change (glycine 5250 retained).
Molecular consequence: synonymous variant. On other transcripts: non-coding transcript variant (1).
Genome position (GRCh38, 1-based): chr5:90,811,010, G>T. VCF-style: chr5-90811010-G-T. GRCh37 (hg19) VCF-style: chr5-90106827-G-T.
Identifiers: ClinVar variation 509519 (VCV000509519.1), dbSNP rs1554125056, ClinGen allele CA445468309.